The following is an entry in ClinVar:

NM_001195305.3(BBIP1):c.134T>C (p.Ile45Thr)

Gene: BBIP1 (BBSome interacting protein 1; minus strand). Cytogenetic location: 10q25.2.
Variant type: single nucleotide variant.
Coding change: c.134T>C on transcript NM_001195305.3 (MANE Select); coding-DNA position 134, T replaced by C.
Protein change: p.Ile45Thr; replaces isoleucine 45 with threonine.
Molecular consequence: missense variant. On other transcripts: synonymous variant (1).
Genome position (GRCh38, 1-based): chr10:110,900,505, A>G on the plus strand (T>C on the coding strand, the complement: BBIP1 is on the minus strand). VCF-style: chr10-110900505-A-G. GRCh37 (hg19) VCF-style: chr10-112660263-A-G.
Other names: c.291T>C, p.Tyr97= (NM_001195304.2); c.134T>C, p.Ile45Thr (NM_001195306.2); c.59T>C, p.Ile20Thr (NM_001195307.2); c.68T>C, p.Ile23Thr (NM_001243783.3); short protein forms I45T, I20T, I23T.
Identifiers: ClinVar variation 862855 (VCV000862855.9), dbSNP rs1564689350, ClinGen allele CA378389160.

ClinVar aggregate classification (germline): Uncertain significance (1 of 4 stars; one submission).

gnomAD v4.1: 10 of 1,532,874 alleles (0.00065%); highest among the groups gnomAD compares: East Asian, 0.0025%; no homozygotes.

Submission:

Labcorp Genetics (formerly Invitae), Labcorp
Classification: Uncertain significance. Last evaluated: 2022-04-01. Review status: criteria provided, single submitter. Criteria: Invitae Variant Classification Sherloc (09022015). Collection method: clinical testing. Allele origin: germline.
Comment: Algorithms developed to predict the effect of missense changes on protein structure and function are either unavailable or do not agree on the potential impact of this missense change (SIFT: "Tolerated"; PolyPhen-2: "Benign"; Align-GVGD: "Class C35"). This sequence change replaces isoleucine, which is neutral and non-polar, with threonine, which is neutral and polar, at codon 45 of the BBIP1 protein (p.Ile45Thr). This variant is not present in population databases (gnomAD no frequency). This variant has not been reported in the literature in individuals affected with BBIP1-related conditions. ClinVar contains an entry for this variant (Variation ID: 862855). In summary, the available evidence is currently insufficient to determine the role of this variant in disease. Therefore, it has been classified as a Variant of Uncertain Significance.